The following is an entry in ClinVar:

NM_000419.5(ITGA2B):c.908C>A (p.Ser303Tyr)

Gene: ITGA2B (integrin subunit alpha 2b; minus strand). Cytogenetic location: 17q21.31.
Variant type: single nucleotide variant.
Coding change: c.908C>A on transcript NM_000419.5 (MANE Select); coding-DNA position 908, C replaced by A.
Protein change: p.Ser303Tyr; replaces serine 303 with tyrosine.
Molecular consequence: missense variant.
Genome position (GRCh38, 1-based): chr17:44,384,122, G>T on the plus strand (C>A on the coding strand, the complement: ITGA2B is on the minus strand). VCF-style: chr17-44384122-G-T. GRCh37 (hg19) VCF-style: chr17-42461490-G-T.
Other names: short protein forms S303Y.
Identifiers: ClinVar variation 3709298 (VCV003709298.2).

ClinVar aggregate classification (germline): Uncertain significance (1 of 4 stars; one submission).

Conditions:
Glanzmann thrombasthenia. Also called: Glanzmann's thrombasthenia; BLEEDING DISORDER, PLATELET-TYPE, 2; THROMBASTHENIA OF GLANZMANN AND NAEGELI; Thrombasthenia; PLATELET GLYCOPROTEIN IIb-IIIa DEFICIENCY. Identifiers: Orphanet 849, MedGen C0040015, MONDO:0100326.

Submission:

Labcorp Genetics (formerly Invitae), Labcorp
Classification: Uncertain significance for Glanzmann thrombasthenia. Last evaluated: 2024-05-15. Review status: criteria provided, single submitter. Criteria: Invitae Variant Classification Sherloc (09022015). Collection method: clinical testing. Allele origin: germline.
Comment: This sequence change replaces serine, which is neutral and polar, with tyrosine, which is neutral and polar, at codon 303 of the ITGA2B protein (p.Ser303Tyr). This variant is present in population databases (rs761397037, gnomAD 0.03%). This variant has not been reported in the literature in individuals affected with ITGA2B-related conditions. Advanced modeling of protein sequence and biophysical properties (such as structural, functional, and spatial information, amino acid conservation, physicochemical variation, residue mobility, and thermodynamic stability) performed at Invitae indicates that this missense variant is not expected to disrupt ITGA2B protein function with a negative predictive value of 80%. In summary, the available evidence is currently insufficient to determine the role of this variant in disease. Therefore, it has been classified as a Variant of Uncertain Significance.